The following is an entry in ClinVar:

NM_004656.4(BAP1):c.1984-35_1984-13dup

Gene: BAP1 (BRCA1 associated deubiquitinase 1; minus strand). Cytogenetic location: 3p21.1.
Variant type: Duplication.
Coding change: c.1984-35_1984-13dup on transcript NM_004656.4 (MANE Select); 35 bases into the intron before coding-DNA position 1984 through 13 bases into the intron before coding-DNA position 1984, 23 bases duplicated (GGCTCCAGTGCTCTCAGTCTTCT).
Molecular consequence: intron variant.
Genome position (GRCh38, 1-based): chr3:52,402,687-52,402,709, AGAAGACTGAGAGCACTGGAGCC duplicated on the plus strand (GGCTCCAGTGCTCTCAGTCTTCT on the coding strand, the reverse complement: BAP1 is on the minus strand); duplicating any 23 consecutive bases within chr3:52,402,687-52,402,710 gives the same sequence; the c. name uses the placement nearest the transcript's 3' end. VCF-style (leftmost placement, unchanged base first): chr3-52402686-A-AAGAAGACTGAGAGCACTGGAGCC. GRCh37 (hg19) VCF-style: chr3-52436702-A-AAGAAGACTGAGAGCACTGGAGCC.
Identifiers: ClinVar variation 927785 (VCV000927785.3), dbSNP rs1705002025, ClinGen allele CA1139658109.
Genomic context (GRCh38, chr3:52,402,686, plus strand): 5'-AGGTGCAGATGAACTCATCGTAGTTGTGGGTCCTTCTCTGGTCATCAATCTGTAGGAGAG[A>AAGAAGACTGAGAGCACTGGAGCC]AGAAGACTGAGAGCACTGGAGCCAATCTTGCCAGAGCAGCCACCAGTGGACCTCGGGAGA-3'

ClinVar aggregate classification (germline): Benign/Likely benign. Review status: criteria provided, multiple submitters, no conflicts (2 of 4 stars). 2 submissions from 2 submitters: Benign (1); Likely benign (1). Last evaluated 2024-07-17.

Conditions:
Hereditary cancer-predisposing syndrome. Also called: Neoplastic Syndromes, Hereditary; Hereditary Cancer Syndrome; Tumor predisposition; Hereditary neoplastic syndrome. Identifiers: Orphanet 140162, MedGen C0027672, MeSH D009386, MONDO:0015356.
BAP1-related tumor predisposition syndrome (TPDS1). Also called: COMMON Syndrome; TUMOR PREDISPOSITION SYNDROME 1; Tumor susceptibility linked to germline BAP1 mutations; BAP1 tumor predisposition syndrome. Identifiers: Orphanet 289539, MedGen C3280492, MONDO:0013692, OMIM 614327.

Submissions (2):

Myriad Genetics, Inc.
Classification: Benign for BAP1-related tumor predisposition syndrome. Last evaluated: 2024-07-17. Review status: criteria provided, single submitter. Criteria: Myriad Autosomal Dominant, Autosomal Recessive and X-Linked Classification Criteria (2023). Collection method: clinical testing. Allele origin: unknown.
Comment: This variant is considered benign. This variant is intronic and is not expected to impact mRNA splicing.

Color Diagnostics, LLC DBA Color Health
Classification: Likely benign for Hereditary cancer-predisposing syndrome. Last evaluated: 2019-09-04. Review status: criteria provided, single submitter. Criteria: ACMG Guidelines, 2015. Collection method: clinical testing. Allele origin: germline.